The following is an entry in ClinVar:

ClinVar aggregate classification (germline): Benign. Review status: criteria provided, multiple submitters, no conflicts (2 of 4 stars). 7 submissions from 7 submitters: Benign (4). 3 of the submissions do not count toward it. Last evaluated 2026-01-12.

Conditions:
Frontotemporal dementia (FTD1). Also called: Frontotemporal Dementia with Parkinsonism-17 (FTDP-17); FRONTOTEMPORAL DEMENTIA WITH PARKINSONISM; FRONTOTEMPORAL LOBE DEMENTIA; MULTIPLE SYSTEM TAUOPATHY WITH PRESENILE DEMENTIA; Dementia, frontotemporal, with or without parkinsonism; WILHELMSEN-LYNCH DISEASE. Identifiers: Orphanet 282, MedGen C0338451, MONDO:0017276, OMIM 600274, HP:0002145.

Allele frequency attached by ClinVar (database versions not stated): 1000 Genomes Project 30x 0.08682; 1000 Genomes Project 0.08766; gnomAD 0.14363 and 0.14666; gnomAD exomes 0.14558 and 0.19434; ExAC 0.14581; TOPMed 0.15017; ESP Exome Variant Server 0.16577.

Submissions (7):

Labcorp Genetics (formerly Invitae), Labcorp
Classification: Benign for Frontotemporal dementia. Last evaluated: 2026-01-12. Review status: criteria provided, single submitter. Criteria: Invitae Variant Classification Sherloc (09022015). Collection method: clinical testing. Allele origin: germline.

GeneDx
Classification: Benign. Last evaluated: 2018-08-11. Review status: criteria provided, single submitter. Criteria: GeneDx Variant Classification Process June 2021. Collection method: clinical testing. Allele origin: germline. Affected: yes.
Comment: This variant is associated with the following publications: (PMID: 23222517)

Breakthrough Genomics
Classification: Benign. Review status: criteria provided, single submitter. Criteria: ACMG Guidelines, 2015. Collection method: not provided. Allele origin: germline. Inheritance: Autosomal recessive inheritance. Affected: yes.

PreventionGenetics, part of Exact Sciences
Classification: Benign. Review status: criteria provided, single submitter. Criteria: ACMG Guidelines, 2015. Collection method: clinical testing. Allele origin: germline.

Clinical Genetics, Academic Medical Center
Classification: Benign. Review status: no assertion criteria provided. Collection method: clinical testing. Allele origin: germline. Affected: yes. Study: VKGL Data-share Consensus. Not counted in ClinVar's aggregate classification.

Genome Diagnostics Laboratory, Amsterdam University Medical Center
Classification: Benign. Review status: no assertion criteria provided. Collection method: clinical testing. Allele origin: germline. Affected: yes. Study: VKGL Data-share Consensus. Not counted in ClinVar's aggregate classification.

VIB  Department of Molecular Genetics, University of Antwerp
No classification provided. Review status: no classification provided. Collection method: not provided. Allele origin: not provided. Not counted in ClinVar's aggregate classification.

NM_001377265.1(MAPT):c.1078G>A (p.Asp360Asn)

Gene: MAPT (microtubule associated protein tau). Cytogenetic location: 17q21.31.
Variant type: single nucleotide variant.
Coding change: c.1078G>A on transcript NM_001377265.1 (MANE Select); coding-DNA position 1078, G replaced by A.
Protein change: p.Asp360Asn; replaces aspartic acid 360 with asparagine.
Molecular consequence: missense variant. On other transcripts: intron variant (8).
Genome position (GRCh38, 1-based): chr17:45,983,657, G>A. VCF-style: chr17-45983657-G-A. GRCh37 (hg19) VCF-style: chr17-44061023-G-A.
Other names: c.853G>A, p.Asp285Asn (NM_001123066.4, NM_016835.5); c.1078G>A, p.Asp360Asn (NM_001377266.1); c.200-3383G>A (NM_001377268.1, NM_016834.5, NM_016841.5); c.374-3383G>A (NM_005910.6, NM_001203252.2); c.287-3383G>A (NM_001123067.4, NM_001203251.2, NM_001377267.1); short protein forms D285N, D360N.
Identifiers: ClinVar variation 98198 (VCV000098198.15), dbSNP rs62063786, ClinGen allele CA225389.